The following is an entry in ClinVar:

ClinVar aggregate classification (germline): Uncertain significance. Review status: criteria provided, multiple submitters, no conflicts (2 of 4 stars). 2 submissions from 2 submitters: Uncertain significance (2). Last evaluated 2023-09-08.

Conditions:
Juvenile polyposis/hereditary hemorrhagic telangiectasia syndrome (JPHT). Also called: JP/HHT SYNDROME; JUVENILE POLYPOSIS WITH HEREDITARY HEMORRHAGIC TELANGIECTASIA; POLYPOSIS, GENERALIZED JUVENILE, WITH PULMONARY ARTERIOVENOUS MALFORMATION; TELANGIECTASIA, HEREDITARY HEMORRHAGIC, WITH JUVENILE POLYPOSIS COLI; Juvenile Polyposis Syndrome / Hereditary Hemorrhagic Telangiectasia (JPS/HHT). Identifiers: Orphanet 2929, MedGen C1832942, MONDO:0008278, OMIM 175050.
Juvenile polyposis syndrome (JPS). Identifiers: Orphanet 2929, MedGen C0345893, MONDO:0017380, OMIM 174900.

Submissions (2):

Labcorp Genetics (formerly Invitae), Labcorp
Classification: Uncertain significance for Juvenile polyposis syndrome. Last evaluated: 2023-09-08. Review status: criteria provided, single submitter. Criteria: Invitae Variant Classification Sherloc (09022015). Collection method: clinical testing. Allele origin: germline.
Comment: This sequence change replaces aspartic acid, which is acidic and polar, with alanine, which is neutral and non-polar, at codon 2 of the SMAD4 protein (p.Asp2Ala). In summary, the available evidence is currently insufficient to determine the role of this variant in disease. Therefore, it has been classified as a Variant of Uncertain Significance. Advanced modeling of protein sequence and biophysical properties (such as structural, functional, and spatial information, amino acid conservation, physicochemical variation, residue mobility, and thermodynamic stability) has been performed at Invitae for this missense variant, however the output from this modeling did not meet the statistical confidence thresholds required to predict the impact of this variant on SMAD4 protein function. This variant has not been reported in the literature in individuals affected with SMAD4-related conditions. This variant is not present in population databases (gnomAD no frequency).

All of Us Research Program, National Institutes of Health
Classification: Uncertain significance for Juvenile polyposis/hereditary hemorrhagic telangiectasia syndrome. Last evaluated: 2023-08-23. Review status: criteria provided, single submitter. Criteria: ACMG Guidelines, 2015. Collection method: clinical testing. Allele origin: germline. Inheritance: Autosomal dominant inheritance. Observed: 1 variant allele, 1 heterozygote.
Comment: This missense variant replaces aspartic acid with alanine at codon 2 of the SMAD4 protein. Computational prediction suggests that this variant may not impact protein structure and function (internally defined REVEL score threshold <= 0.5, PMID: 27666373). To our knowledge, functional studies have not been reported for this variant. This variant has not been reported in individuals affected with SMAD4-related disorders in the literature. This variant has not been identified in the general population by the Genome Aggregation Database (gnomAD). The available evidence is insufficient to determine the role of this variant in disease conclusively. Therefore, this variant is classified as a Variant of Uncertain Significance.

This study involves interpretation of variants in research participants for the purpose of population health screening. Participant phenotype was not available at the time of variant classification. Additional details can be found in publication PMID: 35346344, PMCID: PMC8962531

NM_005359.6(SMAD4):c.5A>C (p.Asp2Ala)

Gene: SMAD4 (SMAD family member 4; plus strand). Cytogenetic location: 18q21.2.
Variant type: single nucleotide variant.
Coding change: c.5A>C on transcript NM_005359.6 (MANE Select); coding-DNA position 5, A replaced by C.
Protein change: p.Asp2Ala; replaces aspartic acid 2 with alanine.
Molecular consequence: missense variant. On other transcripts: non-coding transcript variant (2).
Genome position (GRCh38, 1-based): chr18:51,047,051, A>C. VCF-style: chr18-51047051-A-C. GRCh37 (hg19) VCF-style: chr18-48573421-A-C.
Other names: c.5A>C, p.Asp2Ala (NM_001407041.1, NM_001407042.1, NM_001407043.1); short protein forms D2A.
Identifiers: ClinVar variation 2782009 (VCV002782009.4), dbSNP rs2144400144, ClinGen allele CA402457197.